The following is an entry in ClinVar:

ClinVar aggregate classification (germline): Benign (1 of 4 stars; one submission).

Conditions:
Leigh syndrome (NULS). Also called: Leigh's necrotizing encephalopathy; Leigh's disease; Leigh Syndrome (mtDNA deletion); Leigh Disease; Subacute necrotizing encephalopathy; Necrotizing encephalopathy infantile subacute of Leigh. Identifiers: Orphanet 506, MedGen C2931891, MONDO:0009723, OMIM 256000.

Submission:

Wong Mito Lab, Molecular and Human Genetics, Baylor College of Medicine
Classification: Benign for Leigh syndrome. Last evaluated: 2019-10-17. Review status: criteria provided, single submitter. Criteria: Modified ACMG Guidelines (Unpublished). Collection method: clinical testing. Allele origin: germline.
Comment: The NC_012920.1:m.8681T>C (YP_003024031.1:p.Leu52Pro) variant in MTATP6 gene is interpretated to be a Benign variant based on the modified ACMG guidelines (unpublished). This variant meets the following evidence codes: BS1, BS4

NC_012920.1(MT-ATP6):m.8681T>C

Gene: MT-ATP6 (mitochondrially encoded ATP synthase 6; plus strand).
Variant type: single nucleotide variant.
Genome position: chrM-8681-T-C.
Identifiers: ClinVar variation 692949 (VCV000692949.1), dbSNP rs1603221696, ClinGen allele CA414797390.